The following is an entry in ClinVar:

NM_000553.6(WRN):c.1899-15T>A

Gene: WRN (WRN RecQ like helicase; plus strand). Cytogenetic location: 8p12.
Variant type: single nucleotide variant.
Coding change: c.1899-15T>A on transcript NM_000553.6 (MANE Select); 15 bases into the intron before coding-DNA position 1899, T replaced by A.
Molecular consequence: intron variant.
Genome position (GRCh38, 1-based): chr8:31,096,753, T>A. VCF-style: chr8-31096753-T-A. GRCh37 (hg19) VCF-style: chr8-30954269-T-A.
Identifiers: ClinVar variation 1511382 (VCV001511382.8), dbSNP rs781434765, ClinGen allele CA4704555.

ClinVar aggregate classification (germline): Uncertain significance (1 of 4 stars; one submission).

Conditions:
Werner syndrome (WRN). Identifiers: Orphanet 902, MedGen C0043119, MONDO:0010196, OMIM 277700.

Allele frequency attached by ClinVar (database versions not stated): TOPMed below 0.00001; gnomAD exomes 0.00001; ExAC 0.00003.
gnomAD v4.1: 8 of 1,593,538 alleles (0.0005%); highest among the groups gnomAD compares: Non-Finnish European, 0.00043%; no homozygotes.

Submission:

Labcorp Genetics (formerly Invitae), Labcorp
Classification: Uncertain significance for Werner syndrome. Last evaluated: 2021-04-24. Review status: criteria provided, single submitter. Criteria: Invitae Variant Classification Sherloc (09022015). Collection method: clinical testing. Allele origin: germline.
Comment: Algorithms developed to predict the effect of sequence changes on RNA splicing suggest that this variant may create or strengthen a splice site, but this prediction has not been confirmed by published transcriptional studies. This sequence change falls in intron 16 of the WRN gene. It does not directly change the encoded amino acid sequence of the WRN protein. The frequency data for this variant in the population databases is considered unreliable, as metrics indicate poor data quality at this position in the ExAC database. This variant has not been reported in the literature in individuals with WRN-related conditions. In summary, the available evidence is currently insufficient to determine the role of this variant in disease. Therefore, it has been classified as a Variant of Uncertain Significance.